The following is an entry in ClinVar:

ClinVar aggregate classification (germline): Pathogenic/Likely pathogenic. Review status: criteria provided, multiple submitters, no conflicts (2 of 4 stars). 4 submissions from 4 submitters: Pathogenic (1); Likely pathogenic (1). 2 of the submissions do not count toward it. Last evaluated 2026-02-18.

Conditions:
Metachromatic leukodystrophy (MLD). Also called: ARSA DEFICIENCY; CEREBROSIDE SULFATASE DEFICIENCY; METACHROMATIC LEUKOENCEPHALOPATHY; Cerebral sclerosis diffuse metachromatic form; SULFATIDE LIPIDOSIS; Arylsulfatase A Deficiency. Identifiers: Orphanet 512, MedGen C0023522, MONDO:0018868, OMIM 250100.

Submissions (4):

Myriad Genetics, Inc.
Classification: Likely pathogenic for Metachromatic leukodystrophy. Last evaluated: 2026-02-18. Review status: criteria provided, single submitter. Criteria: Myriad Autosomal Dominant, Autosomal Recessive and X-Linked Classification Criteria (2023). Collection method: clinical testing. Allele origin: unknown.
Comment: NM_000487.5(ARSA):c.1107+1delG is a variant in a canonical splice site classified as likely pathogenic in the context of metachromatic leukodystrophy. c.1107+1delG has been observed in cases with relevant disease (PMID: 26131420, 30674982, Han_2014_(thesis)). Relevant functional assessments of this variant are available in the literature (PMID: 26131420). c.1107+1delG has not been observed in referenced population frequency databases. In summary, NM_000487.5(ARSA):c.1107+1delG is a variant in a canonical splice site that has been observed more frequently in cases with the relevant disease than in healthy populations. Please note: this variant was assessed in the context of healthy population screening.

Labcorp Genetics (formerly Invitae), Labcorp
Classification: Pathogenic for Metachromatic leukodystrophy. Last evaluated: 2020-03-08. Review status: criteria provided, single submitter. Criteria: Invitae Variant Classification Sherloc (09022015). Collection method: clinical testing. Allele origin: germline.
Comment: This sequence change affects a donor splice site in intron 6 of the ARSA gene. It is expected to disrupt RNA splicing and likely results in an absent or disrupted protein product. This variant is not present in population databases (ExAC no frequency). Disruption of this splice site has been observed in individuals affected with ARSA-related conditions (PMID: 26131420, 20890085). ClinVar contains an entry for this variant (Variation ID: 371139). Algorithms developed to predict the effect of sequence changes on RNA splicing suggest that this variant may disrupt the consensus splice site, but this prediction has not been confirmed by published transcriptional studies. Donor and acceptor splice site variants typically lead to a loss of protein function (PMID: 16199547), and loss-of-function variants in ARSA are known to be pathogenic (PMID: 8962139, 10477432). For these reasons, this variant has been classified as Pathogenic.

Natera, Inc.
Classification: Pathogenic for Metachromatic leukodystrophy. Last evaluated: 2021-04-19. Review status: no assertion criteria provided. Collection method: clinical testing. Allele origin: germline. Not counted in ClinVar's aggregate classification.

Counsyl
Classification: Likely pathogenic for Metachromatic leukodystrophy. Last evaluated: 2016-07-08. Review status: no assertion criteria provided. Collection method: clinical testing. Allele origin: unknown. Not counted in ClinVar's aggregate classification.

Literature cited by the submitters: PubMed 26131420 (cited by 3 submitters); PubMed 20890085 (cited by Labcorp Genetics (formerly Invitae), Labcorp); PubMed 16199547 (cited by Labcorp Genetics (formerly Invitae), Labcorp); PubMed 8962139 (cited by Labcorp Genetics (formerly Invitae), Labcorp); PubMed 10477432 (cited by Labcorp Genetics (formerly Invitae), Labcorp).

NM_000487.6(ARSA):c.1107+1del

Gene: ARSA (arylsulfatase A; minus strand). Cytogenetic location: 22q13.33.
Variant type: Deletion.
Coding change: c.1107+1del on transcript NM_000487.6 (MANE Select); the canonical splice donor site of the intron after coding-DNA position 1107, one base deleted (G; older notation c.1107+1delG).
Molecular consequence: splice donor variant.
Genome position (GRCh38, 1-based): chr22:50,625,935, C deleted on the plus strand (G on the coding strand, the reverse complement: ARSA is on the minus strand); the first of 2 consecutive C bases (chr22:50,625,935-50,625,936); deleting either gives the same sequence. VCF-style (leftmost placement, unchanged base first): chr22-50625934-AC-A. GRCh37 (hg19) VCF-style: chr22-51064362-AC-A.
Other names: c.849+1del (NM_001362782.2, NM_001085428.3); c.1107+1del (NM_001085427.3, NM_001085426.3, NM_001085425.3); c.1107+1delG (NM_000487.5).
Identifiers: ClinVar variation 371139 (VCV000371139.17), dbSNP rs1057517036, ClinGen allele CA16042035.